The following is an entry in ClinVar:

NM_001023570.4(IQCB1):c.1706G>C (p.Gly569Ala)

Gene: IQCB1 (IQ motif containing B1; minus strand). Cytogenetic location: 3q13.33.
Variant type: single nucleotide variant.
Coding change: c.1706G>C on transcript NM_001023570.4 (MANE Select); coding-DNA position 1706, G replaced by C.
Protein change: p.Gly569Ala; replaces glycine 569 with alanine.
Molecular consequence: missense variant. On other transcripts: non-coding transcript variant (1).
Genome position (GRCh38, 1-based): chr3:121,770,436, C>G on the plus strand (G>C on the coding strand, the complement: IQCB1 is on the minus strand). VCF-style: chr3-121770436-C-G. GRCh37 (hg19) VCF-style: chr3-121489283-C-G.
Other names: c.1307G>C, p.Gly436Ala (NM_001023571.4); c.1706G>C, p.Gly569Ala (NM_001319107.2); short protein forms G436A, G569A.
Identifiers: ClinVar variation 2003153 (VCV002003153.4), dbSNP rs2108503104, ClinGen allele CA354108638.

ClinVar aggregate classification (germline): Uncertain significance (1 of 4 stars; one submission).

Conditions:
Nephronophthisis. Also called: Juvenile Nephronophthisis. Identifiers: Orphanet 655, MedGen C0687120, MONDO:0019005, HP:0000090.

Submission:

Labcorp Genetics (formerly Invitae), Labcorp
Classification: Uncertain significance for Nephronophthisis. Last evaluated: 2022-06-07. Review status: criteria provided, single submitter. Criteria: Invitae Variant Classification Sherloc (09022015). Collection method: clinical testing. Allele origin: germline.
Comment: In summary, the available evidence is currently insufficient to determine the role of this variant in disease. Therefore, it has been classified as a Variant of Uncertain Significance. This sequence change replaces glycine, which is neutral and non-polar, with alanine, which is neutral and non-polar, at codon 569 of the IQCB1 protein (p.Gly569Ala). This variant is not present in population databases (gnomAD no frequency). This variant has not been reported in the literature in individuals affected with IQCB1-related conditions. Algorithms developed to predict the effect of missense changes on protein structure and function are either unavailable or do not agree on the potential impact of this missense change (SIFT: "Deleterious"; PolyPhen-2: "Benign"; Align-GVGD: "Class C0").